The following is an entry in ClinVar:

ClinVar aggregate classification (germline): Pathogenic (1 of 4 stars; one submission).

Submission:

Labcorp Genetics (formerly Invitae), Labcorp
Classification: Pathogenic. Last evaluated: 2023-09-10. Review status: criteria provided, single submitter. Criteria: Invitae Variant Classification Sherloc (09022015). Collection method: clinical testing. Allele origin: germline.
Comment: This sequence change creates a premature translational stop signal (p.Val1186Glnfs*5) in the TTC37 gene. It is expected to result in an absent or disrupted protein product. Loss-of-function variants in TTC37 are known to be pathogenic (PMID: 20176027, 21120949). This variant is not present in population databases (gnomAD no frequency). This variant has not been reported in the literature in individuals affected with TTC37-related conditions. For these reasons, this variant has been classified as Pathogenic.

Literature cited by the submitters: PubMed 20176027; PubMed 21120949.

NM_014639.4(SKIC3):c.3555_3559del (p.Val1186fs)

Gene: SKIC3 (SKI3 subunit of superkiller complex; minus strand). Cytogenetic location: 5q15.
Variant type: Deletion.
Coding change: c.3555_3559del on transcript NM_014639.4 (MANE Select); coding-DNA positions 3555 to 3559, 5 bases deleted (TGTTC; older notation c.3555_3559delTGTTC).
Protein change: p.Val1186fs; shifts the reading frame from valine 1186.
Molecular consequence: frameshift variant.
Genome position (GRCh38, 1-based): chr5:95,498,374-95,498,378, GAACA deleted on the plus strand (TGTTC on the coding strand, the reverse complement: SKIC3 is on the minus strand); deleting any 5 consecutive bases within chr5:95,498,374-95,498,379 gives the same sequence; the c. name uses the placement nearest the transcript's 3' end. VCF-style (leftmost placement, unchanged base first): chr5-95498373-TGAACA-T. GRCh37 (hg19) VCF-style: chr5-94834077-TGAACA-T.
Other names: short protein forms V1186fs.
Identifiers: ClinVar variation 2881486 (VCV002881486.3), dbSNP rs2530719359, ClinGen allele CA2739274865.